The following is an entry in ClinVar:

NM_133642.5(LARGE1):c.1927C>T (p.Arg643Trp)

Gene: LARGE1 (LARGE xylosyl- and glucuronyltransferase 1; minus strand). Cytogenetic location: 22q12.3.
Variant type: single nucleotide variant.
Coding change: c.1927C>T on transcript NM_133642.5 (MANE Select); coding-DNA position 1927, C replaced by T.
Protein change: p.Arg643Trp; replaces arginine 643 with tryptophan.
Molecular consequence: missense variant.
Genome position (GRCh38, 1-based): chr22:33,277,206, G>A on the plus strand (C>T on the coding strand, the complement: LARGE1 is on the minus strand). VCF-style: chr22-33277206-G-A. GRCh37 (hg19) VCF-style: chr22-33673192-G-A.
Other names: c.1771C>T, p.Arg591Trp (NM_001378629.1); c.1324C>T, p.Arg442Trp (NM_001378630.1); c.1021C>T, p.Arg341Trp (NM_001378631.1); c.1927C>T, p.Arg643Trp (NM_004737.7, NM_001362949.2, NM_001362951.2 and 4 more transcripts); c.1780C>T, p.Arg594Trp (NM_001378627.1, NM_001378628.1); short protein forms R442W, R643W, R591W, R341W, R594W.
Identifiers: ClinVar variation 2040942 (VCV002040942.4), dbSNP rs2546553986, ClinGen allele CA411542968.

ClinVar aggregate classification (germline): Uncertain significance (1 of 4 stars; one submission).

Conditions:
Muscular dystrophy-dystroglycanopathy type B6 (MDDGB6). Also called: MUSCULAR DYSTROPHY-DYSTROGLYCANOPATHY (CONGENITAL WITH IMPAIRED INTELLECTUAL DEVELOPMENT), TYPE B, 6; MUSCULAR DYSTROPHY, CONGENITAL, LARGE-RELATED; MUSCULAR DYSTROPHY, CONGENITAL, TYPE 1D. Identifiers: MedGen C1837229, MONDO:0012138, OMIM 608840.

Allele frequency attached by ClinVar (database versions not stated): gnomAD exomes below 0.00001.
gnomAD v4.1: 2 of 1,614,228 alleles (0.00012%); highest among the groups gnomAD compares: Non-Finnish European, 0.00017%; no homozygotes.

Submission:

Labcorp Genetics (formerly Invitae), Labcorp
Classification: Uncertain significance for Muscular dystrophy-dystroglycanopathy type B6. Last evaluated: 2022-08-14. Review status: criteria provided, single submitter. Criteria: Invitae Variant Classification Sherloc (09022015). Collection method: clinical testing. Allele origin: germline.
Comment: This sequence change replaces arginine, which is basic and polar, with tryptophan, which is neutral and slightly polar, at codon 643 of the LARGE1 protein (p.Arg643Trp). In summary, the available evidence is currently insufficient to determine the role of this variant in disease. Therefore, it has been classified as a Variant of Uncertain Significance. Algorithms developed to predict the effect of missense changes on protein structure and function are either unavailable or do not agree on the potential impact of this missense change (SIFT: "Deleterious"; PolyPhen-2: "Probably Damaging"; Align-GVGD: "Class C0"). This variant has not been reported in the literature in individuals affected with LARGE1-related conditions. This variant is not present in population databases (gnomAD no frequency).